The following is an entry in ClinVar:

NM_001382430.1(AKT1):c.1260+1G>C

Gene: AKT1 (AKT serine/threonine kinase 1; minus strand). Cytogenetic location: 14q32.33.
Variant type: single nucleotide variant.
Coding change: c.1260+1G>C on transcript NM_001382430.1 (MANE Select); the canonical splice donor site of the intron after coding-DNA position 1260, G replaced by C.
Molecular consequence: splice donor variant.
Genome position (GRCh38, 1-based): chr14:104,772,364, C>G on the plus strand (G>C on the coding strand, the complement: AKT1 is on the minus strand). VCF-style: chr14-104772364-C-G. GRCh37 (hg19) VCF-style: chr14-105238701-C-G.
Other names: c.1260+1G>C (NM_001014431.2, NM_001014432.2, NM_001382433.1 and 3 more transcripts).
Identifiers: ClinVar variation 1022066 (VCV001022066.6), dbSNP rs112117625, ClinGen allele CA267348774.

ClinVar aggregate classification (germline): Uncertain significance (1 of 4 stars; one submission).

Conditions:
Cowden syndrome 6 (CWS6). Identifiers: Orphanet 201, MedGen C3554519, MONDO:0014048, OMIM 615109.

Allele frequency attached by ClinVar (database versions not stated): gnomAD exomes below 0.00001.
gnomAD v4.1: 2 of 1,613,838 alleles (0.00012%); highest among the groups gnomAD compares: Non-Finnish European, 0.00017%; no homozygotes.

Submission:

Labcorp Genetics (formerly Invitae), Labcorp
Classification: Uncertain significance for Cowden syndrome 6. Last evaluated: 2020-03-10. Review status: criteria provided, single submitter. Criteria: Invitae Variant Classification Sherloc (09022015). Collection method: clinical testing. Allele origin: germline.
Comment: In summary, the available evidence is currently insufficient to determine the role of this variant in disease. Therefore, it has been classified as a Variant of Uncertain Significance. This sequence change affects a donor splice site in intron 12 of the AKT1 gene. It is expected to disrupt RNA splicing and likely results in an absent or disrupted protein product. This variant is not present in population databases (ExAC no frequency). This variant has not been reported in the literature in individuals with AKT1-related conditions. Algorithms developed to predict the effect of sequence changes on RNA splicing suggest that this variant may disrupt the consensus splice site, but this prediction has not been confirmed by published transcriptional studies. The current clinical and genetic evidence is not sufficient to establish whether loss-of-function variants in AKT1 cause disease.